The following is an entry in ClinVar:

ClinVar aggregate classification (germline): Benign/Likely benign. Review status: criteria provided, multiple submitters, no conflicts (2 of 4 stars). 9 submissions from 9 submitters: Benign (8); Likely benign (1). Last evaluated 2026-02-04.

Conditions:
Brittle cornea syndrome 1 (BCS1). Also called: DYSGENESIS MESODERMALIS CORNEAE ET SCLERAE; CORNEAL FRAGILITY, KERATOGLOBUS, BLUE SCLERAE, JOINT HYPEREXTENSIBILITY; EDS6B; FRAGILITAS OCULI WITH JOINT HYPEREXTENSIBILITY; Corneal fragility keratoglobus, blue sclerae AND joint hypermobility. Identifiers: Orphanet 90354, MedGen C0268344, MONDO:0024543, OMIM 229200.
Cardiovascular phenotype. Identifiers: MedGen CN230736.
Ehlers-Danlos syndrome (EDS). Identifiers: Orphanet 98249, MedGen C0013720, MONDO:0020066.

Allele frequency attached by ClinVar (database versions not stated): gnomAD exomes 0.01251 and 0.01641; ExAC 0.01823; ESP Exome Variant Server 0.02300; TOPMed 0.02454; gnomAD 0.02504 and 0.02534; 1000 Genomes Project 30x 0.03310; 1000 Genomes Project 0.03395.
gnomAD v4.1: 21,501 of 1,549,792 alleles (1.4%); highest among the groups gnomAD compares: African/African-American, 5.2%; 276 homozygotes.

Submissions (9):

Labcorp Genetics (formerly Invitae), Labcorp
Classification: Benign. Last evaluated: 2026-02-04. Review status: criteria provided, single submitter. Criteria: Invitae Variant Classification Sherloc (09022015). Collection method: clinical testing. Allele origin: germline.

Women's Health and Genetics/Laboratory Corporation of America, LabCorp
Classification: Benign. Last evaluated: 2026-01-21. Review status: criteria provided, single submitter. Criteria: LabCorp Variant Classification Summary - May 2015. Collection method: clinical testing. Allele origin: germline.

Blueprint Genetics
Classification: Benign. Last evaluated: 2024-11-27. Review status: criteria provided, single submitter. Criteria: ACMG Guidelines, 2015. Collection method: clinical testing. Allele origin: germline.

Mayo Clinic Laboratories, Mayo Clinic
Classification: Benign. Last evaluated: 2023-02-06. Review status: criteria provided, single submitter. Criteria: ACMG Guidelines, 2015. Collection method: clinical testing. Allele origin: germline. Observed: 66 variant alleles.

Genome Diagnostics Laboratory, The Hospital for Sick Children
Classification: Benign for Ehlers-Danlos syndrome. Last evaluated: 2022-03-03. Review status: criteria provided, single submitter. Criteria: ACMG Guidelines, 2015. Collection method: clinical testing. Allele origin: germline.

Genome-Nilou Lab
Classification: Benign for Brittle cornea syndrome 1. Last evaluated: 2021-12-05. Review status: criteria provided, single submitter. Criteria: ACMG Guidelines, 2015. Collection method: clinical testing. Allele origin: germline. Affected: no.

Ambry Genetics
Classification: Benign for Cardiovascular phenotype. Last evaluated: 2019-03-01. Review status: criteria provided, single submitter. Criteria: Ambry Variant Classification Scheme 2023. Collection method: clinical testing. Allele origin: germline.

GeneDx
Classification: Benign. Last evaluated: 2016-10-30. Review status: criteria provided, single submitter. Criteria: GeneDx Variant Classification (06012015). Collection method: clinical testing. Allele origin: germline. Affected: yes.
Comment: This variant is considered likely benign or benign based on one or more of the following criteria: it is a conservative change, it occurs at a poorly conserved position in the protein, it is predicted to be benign by multiple in silico algorithms, and/or has population frequency not consistent with disease.

Breakthrough Genomics
Classification: Likely benign. Review status: criteria provided, single submitter. Criteria: ACMG Guidelines, 2015. Collection method: not provided. Allele origin: germline. Inheritance: Autosomal recessive inheritance. Affected: yes.

NM_001367624.2(ZNF469):c.4434C>T (p.Ser1478=)

Gene: ZNF469 (zinc finger protein 469; plus strand). Cytogenetic location: 16q24.2.
Variant type: single nucleotide variant.
Coding change: c.4434C>T on transcript NM_001367624.2 (MANE Select); coding-DNA position 4434, C replaced by T.
Protein change: p.Ser1478=; no amino-acid change (serine 1478 retained).
Molecular consequence: synonymous variant.
Genome position (GRCh38, 1-based): chr16:88,431,904, C>T. VCF-style: chr16-88431904-C-T. GRCh37 (hg19) VCF-style: chr16-88498312-C-T.
Other names: NM_001127464.1:c.4350C>T; NM_001127464.2:c.4350C>T; p.Ser1478=.
Identifiers: ClinVar variation 320923 (VCV000320923.22), dbSNP rs74032865, ClinGen allele CA8224955.